The following is an entry in ClinVar:

ClinVar aggregate classification (germline): Uncertain significance (1 of 4 stars; one submission).

Conditions:
Combined immunodeficiency due to STK4 deficiency (IMD110). Also called: T-cell immunodeficiency, recurrent infections, and autoimmunity with or without cardiac malformations; STK4 DEFICIENCY; MST1 DEFICIENCY. Identifiers: Orphanet 314689, MedGen C3553943, MONDO:0013934, OMIM 614868.

gnomAD v4.1: 3 of 1,614,066 alleles (0.00019%); highest among the groups gnomAD compares: South Asian, 0.0022%; no homozygotes.

Submission:

Labcorp Genetics (formerly Invitae), Labcorp
Classification: Uncertain significance for Combined immunodeficiency due to STK4 deficiency. Last evaluated: 2024-09-09. Review status: criteria provided, single submitter. Criteria: Invitae Variant Classification Sherloc (09022015). Collection method: clinical testing. Allele origin: germline.
Comment: This sequence change replaces leucine, which is neutral and non-polar, with valine, which is neutral and non-polar, at codon 436 of the STK4 protein (p.Leu436Val). This variant is present in population databases (rs776425570, gnomAD 0.003%). This variant has not been reported in the literature in individuals affected with STK4-related conditions. An algorithm developed to predict the effect of missense changes on protein structure and function (PolyPhen-2) suggests that this variant is likely to be tolerated. In summary, the available evidence is currently insufficient to determine the role of this variant in disease. Therefore, it has been classified as a Variant of Uncertain Significance.

NM_006282.5(STK4):c.1306C>G (p.Leu436Val)

Gene: STK4 (serine/threonine kinase 4; plus strand). Cytogenetic location: 20q13.12.
Variant type: single nucleotide variant.
Coding change: c.1306C>G on transcript NM_006282.5 (MANE Select); coding-DNA position 1306, C replaced by G.
Protein change: p.Leu436Val; replaces leucine 436 with valine.
Molecular consequence: missense variant. On other transcripts: 3 prime UTR variant (1).
Genome position (GRCh38, 1-based): chr20:45,075,018, C>G. VCF-style: chr20-45075018-C-G. GRCh37 (hg19) VCF-style: chr20-43703659-C-G.
Other names: c.*12C>G (NM_001352385.2); short protein forms L436V.
Identifiers: ClinVar variation 3604765 (VCV003604765.2).